The following is an entry in ClinVar:

NM_000222.3(KIT):c.97G>A (p.Glu33Lys)

Gene: KIT (KIT proto-oncogene, receptor tyrosine kinase; plus strand). Cytogenetic location: 4q12.
Variant type: single nucleotide variant.
Coding change: c.97G>A on transcript NM_000222.3 (MANE Select); coding-DNA position 97, G replaced by A.
Protein change: p.Glu33Lys; replaces glutamic acid 33 with lysine.
Molecular consequence: missense variant.
Genome position (GRCh38, 1-based): chr4:54,695,541, G>A. VCF-style: chr4-54695541-G-A. GRCh37 (hg19) VCF-style: chr4-55561707-G-A.
Other names: c.97G>A, p.Glu33Lys (NM_001093772.2, NM_001385284.1, NM_001385285.1 and 4 more transcripts); short protein forms E33K.
Identifiers: ClinVar variation 528539 (VCV000528539.11), dbSNP rs1553887257, ClinGen allele CA356896836.

ClinVar aggregate classification (germline): Uncertain significance (1 of 4 stars; one submission).

Conditions:
Gastrointestinal stromal tumor. Also called: Gastrointestinal stroma tumor; Gastrointestinal stromal tumor, somatic. Identifiers: Orphanet 44890, MedGen C0238198, MeSH D046152, MONDO:0011719, OMIM 606764, HP:0100723.

Submission:

Labcorp Genetics (formerly Invitae), Labcorp
Classification: Uncertain significance for Gastrointestinal stromal tumor. Last evaluated: 2024-04-25. Review status: criteria provided, single submitter. Criteria: Invitae Variant Classification Sherloc (09022015). Collection method: clinical testing. Allele origin: germline.
Comment: This sequence change replaces glutamic acid, which is acidic and polar, with lysine, which is basic and polar, at codon 33 of the KIT protein (p.Glu33Lys). This variant is not present in population databases (gnomAD no frequency). This variant has not been reported in the literature in individuals affected with KIT-related conditions. ClinVar contains an entry for this variant (Variation ID: 528539). An algorithm developed to predict the effect of missense changes on protein structure and function (PolyPhen-2) suggests that this variant is likely to be tolerated. In summary, the available evidence is currently insufficient to determine the role of this variant in disease. Therefore, it has been classified as a Variant of Uncertain Significance.